The following is an entry in ClinVar:

ClinVar aggregate classification (germline): Uncertain significance (1 of 4 stars; one submission).

Allele frequency attached by ClinVar (database versions not stated): ExAC 0.00001; gnomAD exomes 0.00001; TOPMed 0.00001.

Submission:

Labcorp Genetics (formerly Invitae), Labcorp
Classification: Uncertain significance. Last evaluated: 2022-02-28. Review status: criteria provided, single submitter. Criteria: Invitae Variant Classification Sherloc (09022015). Collection method: clinical testing. Allele origin: germline.
Comment: In summary, the available evidence is currently insufficient to determine the role of this variant in disease. Therefore, it has been classified as a Variant of Uncertain Significance. Algorithms developed to predict the effect of missense changes on protein structure and function are either unavailable or do not agree on the potential impact of this missense change (SIFT: "Tolerated"; PolyPhen-2: "Possibly Damaging"; Align-GVGD: "Class C0"). This variant has not been reported in the literature in individuals affected with ITGA3-related conditions. This variant is present in population databases (rs756726866, gnomAD 0.006%). This sequence change replaces histidine, which is basic and polar, with tyrosine, which is neutral and polar, at codon 262 of the ITGA3 protein (p.His262Tyr).

NM_002204.4(ITGA3):c.784C>T (p.His262Tyr)

Gene: ITGA3 (integrin subunit alpha 3; plus strand). Cytogenetic location: 17q21.33.
Variant type: single nucleotide variant.
Coding change: c.784C>T on transcript NM_002204.4 (MANE Select); coding-DNA position 784, C replaced by T.
Protein change: p.His262Tyr; replaces histidine 262 with tyrosine.
Molecular consequence: missense variant.
Genome position (GRCh38, 1-based): chr17:50,071,343, C>T. VCF-style: chr17-50071343-C-T. GRCh37 (hg19) VCF-style: chr17-48148707-C-T.
Other names: short protein forms H262Y.
Identifiers: ClinVar variation 1935487 (VCV001935487.5), dbSNP rs756726866, ClinGen allele CA8641351.